The following is an entry in ClinVar:

ClinVar aggregate classification (germline): Likely benign (1 of 4 stars; one submission).

Conditions:
Vitamin D-dependent rickets type II with alopecia (VDDR2A). Also called: HYPOCALCEMIC VITAMIN D-RESISTANT RICKETS; Vitamin D-dependent rickets, type 2A; PDDR IIA; PSEUDOVITAMIN D-DEFICIENCY, TYPE IIA; RICKETS, HEREDITARY VITAMIN D-RESISTANT; RICKETS-ALOPECIA SYNDROME. Identifiers: Orphanet 93160, MedGen C0342646, MONDO:0010186, OMIM 277440.

Allele frequency attached by ClinVar (database versions not stated): gnomAD exomes 0.00212; gnomAD 0.01411 and 0.01495; TOPMed 0.01618; 1000 Genomes Project 0.01717; 1000 Genomes Project 30x 0.01718.
gnomAD v4.1: 2,513 of 325,270 alleles (0.77%); highest among the groups gnomAD compares: African/African-American, 4.5%; 50 homozygotes.

Submission:

Illumina Laboratory Services, Illumina
Classification: Likely benign for Vitamin D-dependent rickets type II with alopecia. Last evaluated: 2018-01-13. Review status: criteria provided, single submitter. Criteria: ICSL Variant Classification Criteria 13 December 2019. Collection method: clinical testing. Allele origin: germline.
Comment: This variant was observed in the ICSL laboratory as part of a predisposition screen in an ostensibly healthy population. It had not been previously curated by ICSL or reported in the Human Gene Mutation Database (HGMD: prior to June 1st, 2018), and was therefore a candidate for classification through an automated scoring system. Utilizing variant allele frequency, disease prevalence and penetrance estimates, and inheritance mode, an automated score was calculated to assess if this variant is too frequent to cause the disease. Based on the score and internal cut-off values, a variant classified as likely benign is not then subjected to further curation. The score for this variant resulted in a classification of likely benign for this disease.

NM_000376.3(VDR):c.*409G>A

Gene: VDR (vitamin D receptor; minus strand). Cytogenetic location: 12q13.11.
Variant type: single nucleotide variant.
Coding change: c.*409G>A on transcript NM_000376.3 (MANE Select); 409 bases downstream of the stop codon, G replaced by A.
Molecular consequence: 3 prime UTR variant.
Genome position (GRCh38, 1-based): chr12:47,844,337, C>T on the plus strand (G>A on the coding strand, the complement: VDR is on the minus strand). VCF-style: chr12-47844337-C-T. GRCh37 (hg19) VCF-style: chr12-48238120-C-T.
Other names: c.*409G>A (NM_001017535.2, NM_001017536.2, NM_001374661.1 and 1 more transcripts); c.*208G>A (NM_001364085.2).
Identifiers: ClinVar variation 308864 (VCV000308864.5), dbSNP rs11574118, ClinGen allele CA10642304.